The following is an entry in ClinVar:

NM_199420.4(POLQ):c.6024A>G (p.Ile2008Met)

Gene: POLQ (DNA polymerase theta; minus strand). Cytogenetic location: 3q13.33.
Variant type: single nucleotide variant.
Coding change: c.6024A>G on transcript NM_199420.4 (MANE Select); coding-DNA position 6024, A replaced by G.
Protein change: p.Ile2008Met; replaces isoleucine 2008 with methionine.
Molecular consequence: missense variant.
Genome position (GRCh38, 1-based): chr3:121,481,759, T>C on the plus strand (A>G on the coding strand, the complement: POLQ is on the minus strand). VCF-style: chr3-121481759-T-C. GRCh37 (hg19) VCF-style: chr3-121200606-T-C.
Other names: short protein forms I2008M.
Identifiers: ClinVar variation 1751141 (VCV001751141.3), dbSNP rs1299351123, ClinGen allele CA354088159.

ClinVar aggregate classification (germline): Uncertain significance (1 of 4 stars; one submission).

Allele frequency attached by ClinVar (database versions not stated): gnomAD exomes below 0.00001; gnomAD 0.00001; TOPMed 0.00001.
gnomAD v4.1: 2 of 1,613,696 alleles (0.00012%); highest among the groups gnomAD compares: African/African-American, 0.0013%; no homozygotes.

Submission:

Ambry Genetics
Classification: Uncertain significance. Last evaluated: 2024-06-28. Review status: criteria provided, single submitter. Criteria: Ambry Variant Classification Scheme 2023. Collection method: clinical testing. Allele origin: germline.
Comment: The p.I2008M variant (also known as c.6024A>G), located in coding exon 19 of the POLQ gene, results from an A to G substitution at nucleotide position 6024. The isoleucine at codon 2008 is replaced by methionine, an amino acid with highly similar properties. This amino acid position is conserved. In addition, this alteration is predicted to be tolerated by in silico analysis. Since supporting evidence is limited at this time, the clinical significance of this alteration remains unclear.